The following is an entry in ClinVar:

NM_020708.5(SLC12A5):c.1381G>A (p.Val461Ile)

Gene: SLC12A5 (solute carrier family 12 member 5; plus strand). Cytogenetic location: 20q13.12.
Variant type: single nucleotide variant.
Coding change: c.1381G>A on transcript NM_020708.5 (MANE Select); coding-DNA position 1381, G replaced by A.
Protein change: p.Val461Ile; replaces valine 461 with isoleucine.
Molecular consequence: missense variant.
Genome position (GRCh38, 1-based): chr20:46,043,920, G>A. VCF-style: chr20-46043920-G-A. GRCh37 (hg19) VCF-style: chr20-44672559-G-A.
Other names: c.1450G>A (NM_001134771.1); c.1450G>A, p.Val484Ile (NM_001134771.2); short protein forms V461I, V484I.
Identifiers: ClinVar variation 576593 (VCV000576593.9), dbSNP rs201487205, ClinGen allele CA9887319.

ClinVar aggregate classification (germline): Uncertain significance. Review status: criteria provided, multiple submitters, no conflicts (2 of 4 stars). 3 submissions from 3 submitters: Uncertain significance (3). Last evaluated 2024-03-15.

Conditions:
Developmental and epileptic encephalopathy, 34 (DEE34). Also called: Early infantile epileptic encephalopathy 34; SLC12A5-Related Epilepsy of Infancy with Migrating Focal Seizures. Identifiers: Orphanet 293181, MedGen C4225257, MONDO:0014718, OMIM 616645.

Allele frequency attached by ClinVar (database versions not stated): TOPMed 0.00004; ExAC 0.00005; gnomAD exomes 0.00005 and 0.00006; gnomAD 0.00006; 1000 Genomes Project 0.00020; 1000 Genomes Project 30x 0.00031.

Submissions (3):

Ambry Genetics
Classification: Uncertain significance. Last evaluated: 2024-03-15. Review status: criteria provided, single submitter. Criteria: Ambry Variant Classification Scheme 2023. Collection method: clinical testing. Allele origin: germline.

Labcorp Genetics (formerly Invitae), Labcorp
Classification: Uncertain significance for Developmental and epileptic encephalopathy, 34. Last evaluated: 2022-08-01. Review status: criteria provided, single submitter. Criteria: Invitae Variant Classification Sherloc (09022015). Collection method: clinical testing. Allele origin: germline.
Comment: This sequence change replaces valine, which is neutral and non-polar, with isoleucine, which is neutral and non-polar, at codon 461 of the SLC12A5 protein (p.Val461Ile). This variant is present in population databases (rs201487205, gnomAD 0.009%). This variant has not been reported in the literature in individuals affected with SLC12A5-related conditions. ClinVar contains an entry for this variant (Variation ID: 576593). Advanced modeling of protein sequence and biophysical properties (such as structural, functional, and spatial information, amino acid conservation, physicochemical variation, residue mobility, and thermodynamic stability) performed at Invitae indicates that this missense variant is not expected to disrupt SLC12A5 protein function. In summary, the available evidence is currently insufficient to determine the role of this variant in disease. Therefore, it has been classified as a Variant of Uncertain Significance.

AiLife Diagnostics
Classification: Uncertain significance. Last evaluated: 2021-06-04. Review status: criteria provided, single submitter. Criteria: ACMG Guidelines, 2015. Collection method: clinical testing. Allele origin: germline. Affected: yes. Observed: 1 variant allele.